The following is an entry in ClinVar:

NM_000218.3(KCNQ1):c.483C>T (p.Ile161=)

Gene: KCNQ1 (potassium voltage-gated channel subfamily Q member 1; plus strand). Cytogenetic location: 11p15.5.
Variant type: single nucleotide variant.
Coding change: c.483C>T on transcript NM_000218.3 (MANE Select); coding-DNA position 483, C replaced by T.
Protein change: p.Ile161=; no amino-acid change (isoleucine 161 retained).
Molecular consequence: synonymous variant. On other transcripts: intron variant (1).
Genome position (GRCh38, 1-based): chr11:2,570,633, C>T. VCF-style: chr11-2570633-C-T. GRCh37 (hg19) VCF-style: chr11-2591863-C-T.
Other names: p.Ile161=; c.483C>T, p.Ile161= (NM_001406836.1); c.213C>T, p.Ile71= (NM_001406837.1); c.102C>T, p.Ile34= (NM_181798.2); c.478-12802C>T (NM_001406838.1).
Identifiers: ClinVar variation 926412 (VCV000926412.56), dbSNP rs146981549, ClinGen allele CA037967.
Genomic context (GRCh38, chr11:2,570,633, plus strand): 5'-GAAGCCACTCAAGGCCGAGCCTGCCTGCAGTGAGCGTCCCACTCTGTCCCTGCAGGAGAT[C>T]GTGCTGGTGGTGTTCTTCGGGACGGAGTACGTGGTCCGCCTCTGGTCCGCCGGCTGCCGC-3'
Protein context (NP_000209.2, residues 151-171): LATGTLFWME[Ile161=]VLVVFFGTEY

ClinVar aggregate classification (germline): Likely benign. Review status: criteria provided, multiple submitters, no conflicts (2 of 4 stars). 6 submissions from 6 submitters: Likely benign (6). Last evaluated 2026-01-11.

Conditions:
Long QT syndrome (LQTS). Identifiers: MedGen C0023976, MeSH D008133, MONDO:0002442. Disease mechanism: loss of function. Inheritance: Various modes of inheritance.
Cardiovascular phenotype. Identifiers: MedGen CN230736.
Cardiac arrhythmia. Also called: Cardiac rhythm disease; Arrhythmia. Identifiers: MedGen C0003811, MONDO:0007263, HP:0011675.

Allele frequency attached by ClinVar (database versions not stated): TOPMed 0.00001; ESP Exome Variant Server 0.00008.
gnomAD v4.1: 12 of 1,612,462 alleles (0.00074%); highest among the groups gnomAD compares: East Asian, 0.0045%; no homozygotes.

Submissions (6):

Labcorp Genetics (formerly Invitae), Labcorp
Classification: Likely benign for Long QT syndrome. Last evaluated: 2026-01-11. Review status: criteria provided, single submitter. Criteria: Invitae Variant Classification Sherloc (09022015). Collection method: clinical testing. Allele origin: germline.

Mayo Clinic Laboratories, Mayo Clinic
Classification: Likely benign. Last evaluated: 2025-05-12. Review status: criteria provided, single submitter. Criteria: ACMG Guidelines, 2015. Collection method: clinical testing. Allele origin: germline. Observed: 1 variant allele.
Comment: BP4, BP7, PM2_supporting

All of Us Research Program, National Institutes of Health
Classification: Likely benign for Long QT syndrome. Last evaluated: 2023-10-06. Review status: criteria provided, single submitter. Criteria: ACMG Guidelines, 2015. Collection method: clinical testing. Allele origin: germline. Inheritance: Autosomal dominant inheritance. Observed: 3 variant alleles, 3 heterozygotes.
Comment: This study involves interpretation of variants in research participants for the purpose of population health screening. Participant phenotype was not available at the time of variant classification. Additional details can be found in publication PMID: 35346344, PMCID: PMC8962531

Ambry Genetics
Classification: Likely benign for Cardiovascular phenotype. Last evaluated: 2023-02-16. Review status: criteria provided, single submitter. Criteria: Ambry Variant Classification Scheme 2023. Collection method: clinical testing. Allele origin: germline.

GeneDx
Classification: Likely benign. Last evaluated: 2020-12-10. Review status: criteria provided, single submitter. Criteria: GeneDx Variant Classification Process June 2021. Collection method: clinical testing. Allele origin: germline. Affected: yes.
Comment: This variant is associated with the following publications: (PMID: 16487223)

Color Diagnostics, LLC DBA Color Health
Classification: Likely benign for Arrhythmia. Last evaluated: 2018-12-07. Review status: criteria provided, single submitter. Criteria: ACMG Guidelines, 2015. Collection method: clinical testing. Allele origin: germline.